The following is an entry in ClinVar:

NM_005422.4(TECTA):c.1513G>A (p.Asp505Asn)

Genes: TBCEL-TECTA (TBCEL-TECTA readthrough; plus strand), TECTA (tectorin alpha; plus strand). Cytogenetic location: 11q23.3.
Variant type: single nucleotide variant.
Coding change: c.1513G>A on transcript NM_005422.4 (MANE Select); coding-DNA position 1513, G replaced by A.
Protein change: p.Asp505Asn; replaces aspartic acid 505 with asparagine.
Molecular consequence: missense variant.
Genome position (GRCh38, 1-based): chr11:121,125,611, G>A. VCF-style: chr11-121125611-G-A. GRCh37 (hg19) VCF-style: chr11-120996320-G-A.
Other names: c.2470G>A, p.Asp824Asn (NM_001378761.1); short protein forms D505N, D824N.
Identifiers: ClinVar variation 1707962 (VCV001707962.4), dbSNP rs770474140, ClinGen allele CA6326768.
Genomic context (GRCh38, chr11:121,125,611, plus strand): 5'-GATCTGGGAGAGAGCTGGCGTGTGTACCACGCAGACTGGAAGTGCGACTCCGGCTGCGTC[G>A]ACAACTGCACCCAGTGCGACGCTGCCACTGAAGCCCTCTACTTTGGCTCTGACTACTGCG-3'
Protein context (NP_005413.2, residues 495-515): ADWKCDSGCV[Asp505Asn]NCTQCDAATE

ClinVar aggregate classification (germline): Uncertain significance. Review status: criteria provided, multiple submitters, no conflicts (2 of 4 stars). 3 submissions from 3 submitters: Uncertain significance (3). Last evaluated 2025-07-13.

Conditions:
Inborn genetic diseases. Identifiers: MedGen C0950123, MeSH D030342.

Allele frequency attached by ClinVar (database versions not stated): TOPMed 0.00001; ExAC 0.00002; gnomAD 0.00003.
gnomAD v4.1: 31 of 1,613,584 alleles (0.0019%); highest among the groups gnomAD compares: East Asian, 0.011%; no homozygotes.

Submissions (3):

Ambry Genetics
Classification: Uncertain significance for Inborn genetic diseases. Last evaluated: 2025-07-13. Review status: criteria provided, single submitter. Criteria: Ambry Variant Classification Scheme 2023. Collection method: clinical testing. Allele origin: germline.

Blueprint Genetics
Classification: Uncertain significance. Last evaluated: 2024-11-11. Review status: criteria provided, single submitter. Criteria: ACMG Guidelines, 2015. Collection method: clinical testing. Allele origin: germline.

GeneDx
Classification: Uncertain significance. Last evaluated: 2022-10-03. Review status: criteria provided, single submitter. Criteria: GeneDx Variant Classification Process June 2021. Collection method: clinical testing. Allele origin: germline. Affected: yes.
Comment: In silico analysis supports that this missense variant does not alter protein structure/function; Has not been previously published as pathogenic or benign to our knowledge; This variant is associated with the following publications: (PMID: 31554319, 9590290, 21520338)